The following is an entry in ClinVar:

NM_001128148.3(TFRC):c.1951C>T (p.Arg651Cys)

Gene: TFRC (transferrin receptor; minus strand). Cytogenetic location: 3q29.
Variant type: single nucleotide variant.
Coding change: c.1951C>T on transcript NM_001128148.3 (MANE Select); coding-DNA position 1951, C replaced by T.
Protein change: p.Arg651Cys; replaces arginine 651 with cysteine.
Molecular consequence: missense variant.
Genome position (GRCh38, 1-based): chr3:196,053,507, G>A on the plus strand (C>T on the coding strand, the complement: TFRC is on the minus strand). VCF-style: chr3-196053507-G-A. GRCh37 (hg19) VCF-style: chr3-195780378-G-A.
Other names: c.1708C>T, p.Arg570Cys (NM_001313965.2); c.1105C>T, p.Arg369Cys (NM_001313966.2); c.1951C>T, p.Arg651Cys (NM_003234.4); short protein forms R651C, R369C, R570C.
Identifiers: ClinVar variation 4767870 (VCV004767870.1).

ClinVar aggregate classification (germline): Uncertain significance (1 of 4 stars; one submission).

gnomAD v4.1: 5 of 1,614,166 alleles (0.00031%); highest among the groups gnomAD compares: East Asian, 0.0022%; no homozygotes.

Submission:

Labcorp Genetics (formerly Invitae), Labcorp
Classification: Uncertain significance. Last evaluated: 2025-12-14. Review status: criteria provided, single submitter. Criteria: Invitae Variant Classification Sherloc (09022015). Collection method: clinical testing. Allele origin: germline.
Comment: This sequence change replaces arginine, which is basic and polar, with cysteine, which is neutral and slightly polar, at codon 651 of the TFRC protein (p.Arg651Cys). This variant is present in population databases (no rsID available, gnomAD 0.005%). This variant has not been reported in the literature in individuals affected with TFRC-related conditions. Invitae Evidence Modeling of protein sequence and biophysical properties (such as structural, functional, and spatial information, amino acid conservation, physicochemical variation, residue mobility, and thermodynamic stability) indicates that this missense variant is expected to disrupt TFRC protein function with a positive predictive value of 80%. In summary, the available evidence is currently insufficient to determine the role of this variant in disease. Therefore, it has been classified as a Variant of Uncertain Significance.